The following is an entry in ClinVar:

ClinVar aggregate classification (germline): Pathogenic. Review status: criteria provided, multiple submitters, no conflicts (2 of 4 stars). 2 submissions from 2 submitters: Pathogenic (2). Last evaluated 2025-07-03.

Conditions:
Propionic acidemia (PROP). Also called: GLYCINEMIA, KETOTIC; HYPERGLYCINEMIA WITH KETOACIDOSIS AND LEUKOPENIA; KETOTIC HYPERGLYCINEMIA. Identifiers: Orphanet 35, MedGen C0268579, MONDO:0011628, OMIM 606054, HP:0003571.

Allele frequency attached by ClinVar (database versions not stated): TOPMed below 0.00001.

Submissions (2):

Myriad Genetics, Inc.
Classification: Pathogenic for Propionic acidemia. Last evaluated: 2025-07-03. Review status: criteria provided, single submitter. Criteria: Myriad Autosomal Dominant, Autosomal Recessive and X-Linked Classification Criteria (2023). Collection method: clinical testing. Allele origin: unknown.
Comment: NM_000282.3(PCCA):c.2119-1G>C is a variant in a canonical splice site classified as pathogenic in the context of PCCA-related propionic acidemia. c.2119-1G>C has been observed in cases with relevant disease (PMID: 31757659, 28712602). Relevant functional assessments of this variant are not available in the literature. Internal structural analysis of the variant is supportive of pathogenicity. c.2119-1G>C has not been observed in referenced population frequency databases. In summary, NM_000282.3(PCCA):c.2119-1G>C is a variant in a canonical splice site that has internal structural support for pathogenicity and has been observed more frequently in cases with the relevant disease than in healthy populations. Please note: this variant was assessed in the context of healthy population screening.

Baylor Genetics
Classification: Pathogenic for Propionic acidemia. Last evaluated: 2023-06-13. Review status: criteria provided, single submitter. Criteria: ACMG Guidelines, 2015. Collection method: clinical testing. Allele origin: unknown.

Literature cited by the submitters: PubMed 28712602 (cited by Myriad Genetics, Inc.); PubMed 31757659 (cited by Myriad Genetics, Inc.).

NM_000282.4(PCCA):c.2119-1G>C

Gene: PCCA (propionyl-CoA carboxylase subunit alpha; plus strand). Cytogenetic location: 13q32.3.
Variant type: single nucleotide variant.
Coding change: c.2119-1G>C on transcript NM_000282.4 (MANE Select); the canonical splice acceptor site of the intron before coding-DNA position 2119, G replaced by C.
Molecular consequence: splice acceptor variant.
Genome position (GRCh38, 1-based): chr13:100,530,097, G>C. VCF-style: chr13-100530097-G-C. GRCh37 (hg19) VCF-style: chr13-101182351-G-C.
Other names: c.1120-1G>C (NM_001352611.2); c.1030-1G>C (NM_001352612.2); c.1978-1G>C (NM_001178004.2); c.2065-1G>C (NM_001352605.2); c.1975-1G>C (NM_001352606.2); c.1174-1G>C (NM_001352610.2); c.2041-1G>C (NM_001127692.3); c.1900-1G>C (NM_001352607.2); and 1 more.
Identifiers: ClinVar variation 2677499 (VCV002677499.2), dbSNP rs2088290505, ClinGen allele CA388640977.